The following is an entry in ClinVar:

ClinVar aggregate classification (germline): Pathogenic (1 of 4 stars; one submission).

Conditions:
Glycine encephalopathy. Also called: Nonketotic hyperglycinemia; Non-ketotic hyperglycinemia. Identifiers: Orphanet 407, MedGen C0751748, MONDO:0011612, HP:0008288.

Submission:

Natera, Inc.
Classification: Pathogenic for Non-ketotic hyperglycinemia. Last evaluated: 2025-04-14. Review status: criteria provided, single submitter. Criteria: Natera Variant Classification Schema (03/2026). Collection method: clinical testing. Allele origin: germline.
Comment: The c.1921A>T variant in GLDC is a nonsense variant predicted to introduce a stop codon at amino acid 641. This variant is expected to result in nonsense mediated decay, truncation, or a dysfunctional protein product. This variant is rare in the general population with a frequency below the threshold expected for the associated phenotype(s). This variant has been observed in one or more individuals affected with the associated recessive disease, as either homozygous or compound heterozygous with a second variant (PMID: 27362913). Given the available evidence, this variant is classified as Pathogenic.

Literature cited by the submitters: PubMed 27362913.

NM_000170.3(GLDC):c.1921A>T (p.Arg641Ter)

Gene: GLDC (glycine decarboxylase; minus strand). Cytogenetic location: 9p24.1.
Variant type: single nucleotide variant.
Coding change: c.1921A>T on transcript NM_000170.3 (MANE Select); coding-DNA position 1921, A replaced by T.
Protein change: p.Arg641Ter; replaces arginine 641 with a stop codon.
Molecular consequence: nonsense.
Genome position (GRCh38, 1-based): chr9:6,565,359, T>A on the plus strand (A>T on the coding strand, the complement: GLDC is on the minus strand). VCF-style: chr9-6565359-T-A. GRCh37 (hg19) VCF-style: chr9-6565359-T-A.
Other names: short protein forms R641*.
Identifiers: ClinVar variation 4068660 (VCV004068660.2).
Genomic context (GRCh38, chr9:6,565,359, plus strand): 5'-GAGCCAGGACCTCTGTGCCCCATGGTGAGCAAGCGCCACCTCCTGCCATACTCACCGTTC[T>A]GTGCCCCTCTCCTTTCTGGTTTAAGTAGGCTCGGATAGTGGCCAGTCCAGCATATTCTCC-3'